The following is an entry in ClinVar:

NM_000501.4(ELN):c.395C>T (p.Pro132Leu)

Gene: ELN (elastin; plus strand). Cytogenetic location: 7q11.23.
Variant type: single nucleotide variant.
Coding change: c.395C>T on transcript NM_000501.4 (MANE Select); coding-DNA position 395, C replaced by T.
Protein change: p.Pro132Leu; replaces proline 132 with leucine.
Molecular consequence: missense variant.
Genome position (GRCh38, 1-based): chr7:74,043,136, C>T. VCF-style: chr7-74043136-C-T. GRCh37 (hg19) VCF-style: chr7-73457466-C-T.
Other names: c.395C>T, p.Pro132Leu (NM_001278915.2, NM_001278916.2, NM_001278939.2 and 2 more transcripts); c.365C>T, p.Pro122Leu (NM_001278917.2, NM_001278918.2, NM_001081752.3); c.410C>T, p.Pro137Leu (NM_001081753.3, NM_001081754.3); c.359C>T, p.Pro120Leu (NM_001278913.2); c.380C>T, p.Pro127Leu (NM_001278914.2); short protein forms P122L, P120L, P132L, P137L, P127L.
Identifiers: ClinVar variation 3668253 (VCV003668253.3).

ClinVar aggregate classification (germline): Uncertain significance. Review status: criteria provided, multiple submitters, no conflicts (2 of 4 stars). 2 submissions from 2 submitters: Uncertain significance (2). Last evaluated 2024-09-22.

Conditions:
Supravalvar aortic stenosis (SVAS). Also called: Supravalvar aortic stenosis, Eisenberg type. Identifiers: Orphanet 3193, MedGen C0003499, MONDO:0008504, OMIM 185500, HP:0004381.
Cutis laxa, autosomal dominant 1 (ADCL1). Also called: ELN-Related Cutis Laxa. Identifiers: Orphanet 90348, MedGen C3276539, MONDO:0007411, OMIM 123700. Disease mechanism: Dominant Negative.

Submissions (2):

Labcorp Genetics (formerly Invitae), Labcorp
Classification: Uncertain significance for Supravalvar aortic stenosis. Last evaluated: 2024-09-22. Review status: criteria provided, single submitter. Criteria: Invitae Variant Classification Sherloc (09022015). Collection method: clinical testing. Allele origin: germline.
Comment: This sequence change replaces proline, which is neutral and non-polar, with leucine, which is neutral and non-polar, at codon 132 of the ELN protein (p.Pro132Leu). This variant is present in population databases (rs147515847, gnomAD 0.01%). This variant has not been reported in the literature in individuals affected with ELN-related conditions. Invitae Evidence Modeling of protein sequence and biophysical properties (such as structural, functional, and spatial information, amino acid conservation, physicochemical variation, residue mobility, and thermodynamic stability) indicates that this missense variant is not expected to disrupt ELN protein function with a negative predictive value of 80%. In summary, the available evidence is currently insufficient to determine the role of this variant in disease. Therefore, it has been classified as a Variant of Uncertain Significance.

Department of Pathology and Laboratory Medicine, Sinai Health System
Classification: Uncertain significance for cutis laxa, autosomal dominant 1. Last evaluated: 2021-02-23. Review status: criteria provided, single submitter. Criteria: ACMG Guidelines, 2015. Collection method: research. Allele origin: germline.